The following is an entry in ClinVar:

ClinVar aggregate classification (germline): Pathogenic/Likely pathogenic. Review status: criteria provided, multiple submitters, no conflicts (2 of 4 stars). 4 submissions from 4 submitters: Pathogenic (3); Likely pathogenic (1). Last evaluated 2025-11-21.

Conditions:
Primary ciliary dyskinesia 3. Identifiers: Orphanet 244, MedGen C1837618, MONDO:0012085, OMIM 608644.
Primary ciliary dyskinesia. Also called: Ciliary dyskinesia. Identifiers: Orphanet 244, MedGen C0008780, MONDO:0016575, HP:0012265.

Submissions (4):

Labcorp Genetics (formerly Invitae), Labcorp
Classification: Pathogenic for Primary ciliary dyskinesia. Last evaluated: 2025-11-21. Review status: criteria provided, single submitter. Criteria: Invitae Variant Classification Sherloc (09022015). Collection method: clinical testing. Allele origin: germline.
Comment: This sequence change creates a premature translational stop signal (p.Arg2170Lysfs*23) in the DNAH5 gene. It is expected to result in an absent or disrupted protein product. Loss-of-function variants in DNAH5 are known to be pathogenic (PMID: 11788826, 16627867). This variant is present in population databases (no rsID available, gnomAD 0.0009%). This variant has not been reported in the literature in individuals affected with DNAH5-related conditions. ClinVar contains an entry for this variant (Variation ID: 238983). For these reasons, this variant has been classified as Pathogenic.

Myriad Genetics, Inc.
Classification: Pathogenic for Primary ciliary dyskinesia 3. Last evaluated: 2024-05-14. Review status: criteria provided, single submitter. Criteria: Myriad Autosomal Dominant, Autosomal Recessive and X-Linked Classification Criteria (2023). Collection method: clinical testing. Allele origin: unknown.
Comment: NM_001369.2(DNAH5):c.6508dupA(R2170Kfs*23) is expected to be pathogenic in the context of primary ciliary dyskinesia, DNAH5-related. This variant is predicted to lead to an abnormal or absent protein product due to the creation of a premature termination codon in DNAH5, a gene where loss-of-function variants are known to be pathogenic. Please note: this variant was assessed in the context of healthy population screening.

Fulgent Genetics
Classification: Likely pathogenic for Primary ciliary dyskinesia 3. Last evaluated: 2024-05-13. Review status: criteria provided, single submitter. Criteria: ACMG Guidelines, 2015. Collection method: clinical testing. Allele origin: germline.

Natera, Inc.
Classification: Pathogenic for Primary ciliary dyskinesia. Last evaluated: 2024-04-24. Review status: criteria provided, single submitter. Criteria: Natera Variant Classification Schema (03/2026). Collection method: clinical testing. Allele origin: germline.
Comment: The c.6508dupA variant in DNAH5 is a frameshift variant predicted to shift the reading frame beginning at codon 2170 and leads to a stop codon 23 codons downstream. This variant is expected to result in nonsense mediated decay, truncation, or a dysfunctional protein product. This variant is rare in the general population with a frequency below the threshold expected for the associated phenotype(s). This variant has been observed in one or more individuals affected with the associated recessive disease, as either homozygous or compound heterozygous with a second variant (PMID: 34940998). Given the available evidence, this variant is classified as Pathogenic.

Literature cited by the submitters: PubMed 11788826 (cited by Labcorp Genetics (formerly Invitae), Labcorp); PubMed 16627867 (cited by Labcorp Genetics (formerly Invitae), Labcorp); PubMed 34940998 (cited by Natera, Inc.).

NM_001369.3(DNAH5):c.6508dup (p.Arg2170fs)

Gene: DNAH5 (dynein axonemal heavy chain 5; minus strand). Cytogenetic location: 5p15.2.
Variant type: Duplication.
Coding change: c.6508dup on transcript NM_001369.3 (MANE Select); coding-DNA position 6508, one base duplicated (A; older notation c.6508dupA).
Protein change: p.Arg2170fs; shifts the reading frame from arginine 2170.
Molecular consequence: frameshift variant.
Genome position (GRCh38, 1-based): chr5:13,824,270, T duplicated on the plus strand (A on the coding strand, the reverse complement: DNAH5 is on the minus strand); the first of 5 consecutive T bases (chr5:13,824,270-13,824,274); duplicating any one gives the same sequence. VCF-style (leftmost placement, unchanged base first): chr5-13824269-C-CT. GRCh37 (hg19) VCF-style: chr5-13824378-C-CT.
Other names: c.6508dupA (NM_001369.2); short protein forms R2170fs.
Identifiers: ClinVar variation 238983 (VCV000238983.10), dbSNP rs878854458, ClinGen allele CA10582398.
Genomic context (GRCh38, chr5:13,824,269, plus strand): 5'-AGATTCATGTCCCGTAGTACACGCATGACAATCGTGGACTCCGTATCCATTGGATTGGCT[C>CT]TTTTTGCTGCTCCCAAGGTCCGAAGAACTGACAGAATGTTACGCAGGCCAAAGTCATAAT-3'